The following is an entry in ClinVar:

NM_002582.4(PARN):c.1094G>T (p.Gly365Val)

Gene: PARN (poly(A)-specific ribonuclease; minus strand). Cytogenetic location: 16p13.12.
Variant type: single nucleotide variant.
Coding change: c.1094G>T on transcript NM_002582.4 (MANE Select); coding-DNA position 1094, G replaced by T.
Protein change: p.Gly365Val; replaces glycine 365 with valine.
Molecular consequence: missense variant.
Genome position (GRCh38, 1-based): chr16:14,582,279, C>A on the plus strand (G>T on the coding strand, the complement: PARN is on the minus strand). VCF-style: chr16-14582279-C-A. GRCh37 (hg19) VCF-style: chr16-14676136-C-A.
Other names: c.911G>T, p.Gly304Val (NM_001134477.3); c.956G>T, p.Gly319Val (NM_001242992.2); short protein forms G304V, G319V, G365V.
Identifiers: ClinVar variation 1000403 (VCV001000403.13), dbSNP rs1452851028, ClinGen allele CA394802026.

ClinVar aggregate classification (germline): Uncertain significance (1 of 4 stars; one submission).

Conditions:
Dyskeratosis congenita, autosomal recessive 6 (DKCB6). Identifiers: MedGen C4225356, MONDO:0014600, OMIM 616353.
Pulmonary fibrosis and/or bone marrow failure, Telomere-related, 4. Also called: PULMONARY FIBROSIS AND/OR BONE MARROW FAILURE SYNDROME, TELOMERE-RELATED, 4. Identifiers: Orphanet 2032, MedGen C4225347, MONDO:0014612, OMIM 616371.

Submission:

Labcorp Genetics (formerly Invitae), Labcorp
Classification: Uncertain significance for Dyskeratosis congenita, autosomal recessive 6; Pulmonary fibrosis and/or bone marrow failure, Telomere-related, 4. Last evaluated: 2020-04-30. Review status: criteria provided, single submitter. Criteria: Invitae Variant Classification Sherloc (09022015). Collection method: clinical testing. Allele origin: germline.
Comment: This variant is not present in population databases (ExAC no frequency). This sequence change replaces glycine with valine at codon 365 of the PARN protein (p.Gly365Val). The glycine residue is highly conserved and there is a moderate physicochemical difference between glycine and valine. This variant has not been reported in the literature in individuals with PARN-related conditions. Algorithms developed to predict the effect of missense changes on protein structure and function (SIFT, PolyPhen-2, Align-GVGD) all suggest that this variant is likely to be disruptive, but these predictions have not been confirmed by published functional studies and their clinical significance is uncertain. In summary, the available evidence is currently insufficient to determine the role of this variant in disease. Therefore, it has been classified as a Variant of Uncertain Significance.